The following is an entry in ClinVar:

NM_144706.4(C2orf15):c.52G>A (p.Asp18Asn)

Genes: C2orf15 (chromosome 2 open reading frame 15; plus strand), TSGA10 (testis specific 10; minus strand). Cytogenetic location: 2q11.2.
Variant type: single nucleotide variant.
Coding change: c.52G>A on transcript NM_144706.4 (MANE Select); coding-DNA position 52, G replaced by A.
Protein change: p.Asp18Asn; replaces aspartic acid 18 with asparagine.
Molecular consequence: missense variant. On other transcripts: intron variant (2).
Genome position (GRCh38, 1-based): chr2:99,150,610, G>A. VCF-style: chr2-99150610-G-A. GRCh37 (hg19) VCF-style: chr2-99767073-G-A.
Other names: c.52G>A, p.Asp18Asn (NM_001317992.2); c.-519+4083C>T (NM_001349013.2); c.-621+4083C>T (NM_025244.4); short protein forms D18N.
Identifiers: ClinVar variation 3024730 (VCV003024730.22), dbSNP rs139891421, ClinGen allele CA1797197.

ClinVar aggregate classification (germline): Benign (1 of 4 stars; one submission).

Allele frequency attached by ClinVar (database versions not stated): 1000 Genomes Project 30x 0.00562; 1000 Genomes Project 0.00579; ESP Exome Variant Server 0.00953; gnomAD 0.01020; TOPMed 0.01078; ExAC 0.01079; gnomAD exomes 0.01300.
gnomAD v4.1: 20,709 of 1,613,852 alleles (1.3%); highest among the groups gnomAD compares: Middle Eastern, 1.5%; 158 homozygotes.

Submission:

CeGaT Center for Human Genetics Tuebingen
Classification: Benign. Last evaluated: 2026-02-01. Review status: criteria provided, single submitter. Criteria: CeGaT Center For Human Genetics Tuebingen Variant Classification Criteria Version 2. Collection method: clinical testing. Allele origin: germline. Affected: yes. Observed: 3 variant alleles.
Comment: C2orf15: BP4, BS1, BS2